The following is an entry in ClinVar:

NM_000218.3(KCNQ1):c.1097G>A (p.Arg366Gln)

Gene: KCNQ1 (potassium voltage-gated channel subfamily Q member 1; plus strand). Cytogenetic location: 11p15.5.
Variant type: single nucleotide variant.
Coding change: c.1097G>A on transcript NM_000218.3 (MANE Select); coding-DNA position 1097, G replaced by A.
Protein change: p.Arg366Gln; replaces arginine 366 with glutamine.
Molecular consequence: missense variant.
Genome position (GRCh38, 1-based): chr11:2,585,276, G>A. VCF-style: chr11-2585276-G-A. GRCh37 (hg19) VCF-style: chr11-2606506-G-A.
Other names: c.1097G>A (LRG_287t1); c.827G>A, p.Arg276Gln (NM_001406837.1); c.716G>A, p.Arg239Gln (NM_181798.2); short protein forms R366Q, R239Q, R276Q.
Identifiers: ClinVar variation 52956 (VCV000052956.59), dbSNP rs199473410, ClinGen allele CA005263.

ClinVar aggregate classification (germline): Pathogenic/Likely pathogenic. Review status: criteria provided, multiple submitters, no conflicts (2 of 4 stars). 21 submissions from 21 submitters: Pathogenic (16); Likely pathogenic (2). 3 of the submissions do not count toward it. Last evaluated 2025-11-01.

Conditions:
KCNQ1-related disorder. Also called: KCNQ1-related condition; KCNQ1-related disorders. Identifiers: MedGen CN239322.
Cardiac arrhythmia. Also called: Arrhythmia; Cardiac rhythm disease. Identifiers: MedGen C0003811, MONDO:0007263, HP:0011675.
Familial long QT syndrome (RWS). Also called: Congenital long QT syndrome; Romano-Ward syndrome; VENTRICULAR FIBRILLATION WITH PROLONGED QT INTERVAL. Identifiers: Orphanet 768, MedGen C1141890, MONDO:0019171.
Long QT syndrome (LQTS). Identifiers: MedGen C0023976, MeSH D008133, MONDO:0002442. Disease mechanism: loss of function. Inheritance: Various modes of inheritance.
Jervell and Lange-Nielsen syndrome 1 (JLNS1). Also called: CARDIOAUDITORY SYNDROME OF JERVELL AND LANGE-NIELSEN; DEAFNESS, CONGENITAL, AND FUNCTIONAL HEART DISEASE; PROLONGED QT INTERVAL IN EKG AND SUDDEN DEATH; SURDO-CARDIAC SYNDROME. Identifiers: Orphanet 768, Orphanet 90647, MedGen C4551509, MONDO:0024540, OMIM 220400.
Long QT syndrome 1 (LQT1). Identifiers: Orphanet 101016, Orphanet 768, MedGen C4551647, MONDO:0100316, OMIM 192500, MONDO:0008646.

Allele frequency attached by ClinVar (database versions not stated): TOPMed below 0.00001; ExAC 0.00001; gnomAD exomes 0.00001 and below 0.00001.
gnomAD v4.1: 9 of 1,613,996 alleles (0.00056%); highest among the groups gnomAD compares: East Asian, 0.0022%; no homozygotes.

Submissions 1 to 9 of 21:

CeGaT Center for Human Genetics Tuebingen
Classification: Pathogenic. Last evaluated: 2025-11-01. Review status: criteria provided, single submitter. Criteria: CeGaT Center For Human Genetics Tuebingen Variant Classification Criteria Version 2. Collection method: clinical testing. Allele origin: germline. Affected: yes. Observed: 2 variant alleles.
Comment: KCNQ1: PS4, PM1, PM2, PM5, PP3, PS3:Supporting

Color Diagnostics, LLC DBA Color Health
Classification: Pathogenic for Cardiac arrhythmia. Last evaluated: 2024-10-21. Review status: criteria provided, single submitter. Criteria: ACMG Guidelines, 2015. Collection method: clinical testing. Allele origin: germline.
Comment: This missense variant replaces arginine with glutamine at codon 366 of the KCNQ1 protein. This variant is found within a highly conserved region (a.a.349-391) of the C-terminal cytoplasmic domain. Rare nontruncating variants in this region have been shown to be significantly overrepresented in individuals with long QT syndrome (PMID: 32893267). Functional studies have shown that this variant causes endoplasmic reticulum retention (PMID:15935335), affects the binding to phosphatidylinositol 4,5-bisphosphate (PIP2), results in decreased strength of PIP2-dependent coupling of the voltage-sensing domain and the pore domain and a reduction in channel current (PMID: 19934648, 23861489). This variant has been reported in over twenty families affected with long QT syndrome and more than half of them were from Turkish population (PMID: 10973849, 24363352, 24667783, 24689698, 25804018, 26669661, 28472724, 29037160, 32383558, 34860437). In these families, in addition to affected heterozygous carriers, this variant has also been observed in homozygous state in multiple individuals affected with long QT syndrome and congenital hearing loss (PMID: 34860437), in compound heterozygous state with a pathogenic splice variant in an individual affected with Jervell and Lange-Nielsen syndrome (PMID: 32383558), and in digenic heterozygous state with a known pathogenic SCN5A variant in an individual diagnosed with long QT syndrome at a young age (PMID: 25804018). This variant has been identified in 1/251240 chromosomes in the general population by the Genome Aggregation Database (gnomAD). Based on the available evidence, this variant is classified as Pathogenic.

Labcorp Genetics (formerly Invitae), Labcorp
Classification: Pathogenic for Long QT syndrome. Last evaluated: 2024-04-24. Review status: criteria provided, single submitter. Criteria: Invitae Variant Classification Sherloc (09022015). Collection method: clinical testing. Allele origin: germline.
Comment: This sequence change replaces arginine, which is basic and polar, with glutamine, which is neutral and polar, at codon 366 of the KCNQ1 protein (p.Arg366Gln). This variant is present in population databases (rs199473410, gnomAD 0.0009%). This missense change has been observed in individuals with long QT syndrome, hearing loss and prolonged QTc (PMID: 14678125, 23158531, 24689698, 25804018, 26669661). ClinVar contains an entry for this variant (Variation ID: 52956). Advanced modeling of protein sequence and biophysical properties (such as structural, functional, and spatial information, amino acid conservation, physicochemical variation, residue mobility, and thermodynamic stability) performed at Invitae indicates that this missense variant is expected to disrupt KCNQ1 protein function with a positive predictive value of 95%. Experimental studies have shown that this missense change affects KCNQ1 function (PMID: 15935335, 19934648, 23861489). This variant disrupts the p.Arg366 amino acid residue in KCNQ1. Other variant(s) that disrupt this residue have been determined to be pathogenic (PMID: 9024139, 10973849, 15840476, 16556865, 22949429). This suggests that this residue is clinically significant, and that variants that disrupt this residue are likely to be disease-causing. For these reasons, this variant has been classified as Pathogenic.

Clinical Genetics Laboratory, Skane University Hospital Lund
Classification: Pathogenic. Last evaluated: 2024-03-13. Review status: criteria provided, single submitter. Criteria: ACMG Guidelines, 2015. Collection method: clinical testing. Allele origin: germline. Affected: yes.

Dept of Medical Biology, Uskudar University
Classification: Pathogenic for Long QT syndrome. Last evaluated: 2024-01-08. Review status: criteria provided, single submitter. Criteria: Dept of Medical Biology Variant Classification. Collection method: research. Allele origin: maternal. Affected: yes. Observed: 4 variant alleles.
Comment: Criteria: PS3_Moderate, PS4_Strong, PM1, PM2, PP3

All of Us Research Program, National Institutes of Health
Classification: Pathogenic for Long QT syndrome. Last evaluated: 2023-10-23. Review status: criteria provided, single submitter. Criteria: ACMG Guidelines, 2015. Collection method: clinical testing. Allele origin: germline. Inheritance: Autosomal dominant inheritance. Observed: 1 variant allele, 1 heterozygote.
Comment: This missense variant replaces arginine with glutamine at codon 366 of the KCNQ1 protein. This variant is found within a highly conserved region (a.a.349-391) of the C-terminal cytoplasmic domain. Rare nontruncating variants in this region have been shown to be significantly overrepresented in individuals with long QT syndrome (PMID: 32893267). Functional studies have shown that this variant causes endoplasmic reticulum retention (PMID:15935335), affects the binding to phosphatidylinositol 4,5-bisphosphate (PIP2), results in decreased strength of PIP2-dependent coupling of the voltage-sensing domain and the pore domain and a reduction in channel current (PMID: 19934648, 23861489). This variant has been reported in over twenty families affected with long QT syndrome and more than half of them were from Turkish population (PMID: 10973849, 24363352, 24667783, 24689698, 25804018, 26669661, 28472724, 29037160, 32383558, 34860437). In these families, in addition to affected heterozygous carriers, this variant has also been observed in homozygous state in multiple individuals affected with long QT syndrome and congenital hearing loss (PMID: 34860437), in compound heterozygous state with a pathogenic splice variant in an individual affected with Jervell and Lange-Nielsen syndrome (PMID: 32383558), and in digenic heterozygous state with a known pathogenic SCN5A variant in an individual diagnosed with long QT syndrome at a young age (PMID: 25804018). This variant has been identified in 1/251240 chromosomes in the general population by the Genome Aggregation Database (gnomAD). Based on the available evidence, this variant is classified as Pathogenic.

This study involves interpretation of variants in research participants for the purpose of population health screening. Participant phenotype was not available at the time of variant classification. Additional details can be found in publication PMID: 35346344, PMCID: PMC8962531

Intergen Genetics and Rare Diseases Diagnosis Center
Classification: Pathogenic for Long QT syndrome 1. Last evaluated: 2023-07-18. Review status: criteria provided, single submitter. Criteria: ACMG Guidelines, 2015. Collection method: clinical testing. Allele origin: unknown. Inheritance: Autosomal dominant inheritance. Observed: 1 heterozygote.

3billion
Classification: Pathogenic for Long QT syndrome 1. Last evaluated: 2022-09-01. Review status: criteria provided, single submitter. Criteria: ACMG Guidelines, 2015. Collection method: clinical testing. Allele origin: germline. Affected: yes. Observed: 1 heterozygote.
Comment: The variant is observed at an extremely low frequency in the gnomAD v2.1.1 dataset (total allele frequency: <0.001%). Missense changes are a common disease-causing mechanism. In silico tool predictions suggest damaging effect of the variant on gene or gene product (REVEL: 0.97; 3Cnet: 0.96). Same nucleotide change resulting in same amino acid change has been previously reported as pathogenic/likely pathogenic with strong evidence (ClinVar ID: VCV000052956). Different missense changes at the same codon (p.Arg366Leu, p.Arg366Trp) have been reported as pathogenic/likely pathogenic with strong evidence (ClinVar ID: VCV000052955 , VCV001185948). Therefore, this variant is classified as Pathogenic according to the recommendation of ACMG/AMP guideline.

MGZ Medical Genetics Center
Classification: Pathogenic for Long QT syndrome 1. Last evaluated: 2022-08-25. Review status: criteria provided, single submitter. Criteria: ACMG Guidelines, 2015. Collection method: clinical testing. Allele origin: germline. Affected: yes. Observed: 1 variant allele.
Comment: ACMG criteria applied: PS3, PS4, PP1_STR, PM5, PM2_SUP, PP3, PP4